The following is an entry in ClinVar:

ClinVar aggregate classification (germline): Uncertain significance. Review status: criteria provided, multiple submitters, no conflicts (2 of 4 stars). 2 submissions from 2 submitters: Uncertain significance (2). Last evaluated 2025-03-07.

Conditions:
Epidermolysis bullosa simplex 3, localized or generalized intermediate, with BP230 deficiency (EBS3). Also called: Epidermolysis bullosa simplex due to BP230 deficiency; Epidermolysis bullosa simplex, autosomal recessive 2. Identifiers: Orphanet 412181, MedGen C3809470, MONDO:0014180, OMIM 615425.
Hereditary sensory and autonomic neuropathy type 6. Also called: Neuropathy, hereditary sensory and autonomic, type VI; HSAN VI. Identifiers: Orphanet 314381, MedGen C3539003, MONDO:0013839, OMIM 614653.

gnomAD v4.1: 9 of 1,609,308 alleles (0.00056%); highest among the groups gnomAD compares: Admixed American, 0.015%; no homozygotes.

Submissions (2):

Mayo Clinic Laboratories, Mayo Clinic
Classification: Uncertain significance. Last evaluated: 2025-03-07. Review status: criteria provided, single submitter. Criteria: ACMG Guidelines, 2015. Collection method: clinical testing. Allele origin: germline. Observed: 1 variant allele.
Comment: BP4_moderate

Labcorp Genetics (formerly Invitae), Labcorp
Classification: Uncertain significance for Epidermolysis bullosa simplex 3, localized or generalized intermediate, with BP230 deficiency; Hereditary sensory and autonomic neuropathy type 6. Last evaluated: 2024-11-30. Review status: criteria provided, single submitter. Criteria: Invitae Variant Classification Sherloc (09022015). Collection method: clinical testing. Allele origin: germline.
Comment: The DST gene has multiple clinically relevant transcripts. This variant occurs in alternate transcript NM_015548.4, and corresponds to NM_001723.5:c.*87828C>T in the primary transcript. This sequence change replaces alanine, which is neutral and non-polar, with valine, which is neutral and non-polar, at codon 3286 of the DST protein (p.Ala3286Val). This variant is present in population databases (rs749445571, gnomAD 0.02%). This variant has not been reported in the literature in individuals affected with DST-related conditions. Experimental studies and prediction algorithms are not available or were not evaluated, and the functional significance of this variant is currently unknown. In summary, the available evidence is currently insufficient to determine the role of this variant in disease. Therefore, it has been classified as a Variant of Uncertain Significance.

NM_001374736.1(DST):c.17726C>T (p.Ala5909Val)

Gene: DST (dystonin; minus strand). Cytogenetic location: 6p12.1.
Variant type: single nucleotide variant.
Coding change: c.17726C>T on transcript NM_001374736.1 (MANE Select); coding-DNA position 17726, C replaced by T.
Protein change: p.Ala5909Val; replaces alanine 5909 with valine.
Molecular consequence: missense variant.
Genome position (GRCh38, 1-based): chr6:56,527,689, G>A on the plus strand (C>T on the coding strand, the complement: DST is on the minus strand). VCF-style: chr6-56527689-G-A. GRCh37 (hg19) VCF-style: chr6-56392487-G-A.
Other names: p.Ala3286Val; c.11369C>T, p.Ala3790Val (NM_001144769.5); c.10955C>T, p.Ala3652Val (NM_001144770.2); c.17726C>T, p.Ala5909Val (NM_001374722.1); c.16766C>T, p.Ala5589Val (NM_001374729.1); c.10508C>T, p.Ala3503Val (NM_001374730.1); c.17753C>T, p.Ala5918Val (NM_001374734.1); c.10835C>T, p.Ala3612Val (NM_001386100.1, NM_183380.4); and 1 more; short protein forms A3286V, A3503V, A3612V, A3652V, A3790V, A5589V, A5909V, A5918V.
Identifiers: ClinVar variation 3760885 (VCV003760885.3).
Genomic context (GRCh38, chr6:56,527,689, plus strand): 5'-AGCGCCTGTTCCAGAGTCTTGGCCACATCAGTGCTCAGTTTAGTAATGTCTTTGTACCTT[G>A]CTTTAATGGCTTCCAATTTATCTTGAATTATTAAAACTTCATCACCTAAAATTTCAAAGT-3'
Protein context (NP_001361665.1, residues 5899-5919): IIQDKLEAIK[Ala5909Val]RYKDITKLST